The following is an entry in ClinVar:

NM_020937.4(FANCM):c.875C>T (p.Pro292Leu)

Gene: FANCM (FA complementation group M; plus strand). Cytogenetic location: 14q21.2.
Variant type: single nucleotide variant.
Coding change: c.875C>T on transcript NM_020937.4 (MANE Select); coding-DNA position 875, C replaced by T.
Protein change: p.Pro292Leu; replaces proline 292 with leucine.
Molecular consequence: missense variant.
Genome position (GRCh38, 1-based): chr14:45,148,952, C>T. VCF-style: chr14-45148952-C-T. GRCh37 (hg19) VCF-style: chr14-45618155-C-T.
Other names: c.875C>T (NM_020937.3); c.797C>T, p.Pro266Leu (NM_001308133.2); c.875C>T, p.Pro292Leu (NM_001308134.2); short protein forms P292L, P266L.
Identifiers: ClinVar variation 951102 (VCV000951102.15), dbSNP rs781381334, ClinGen allele CA7168869.

ClinVar aggregate classification (germline): Uncertain significance. Review status: criteria provided, multiple submitters, no conflicts (2 of 4 stars). 5 submissions from 5 submitters: Uncertain significance (5). Last evaluated 2025-10-14.

Conditions:
Spermatogenic failure 28. Identifiers: MedGen C4748117, MONDO:0054732, OMIM 618086.
Premature ovarian failure 15. Identifiers: MedGen C4748170, MONDO:0054862, OMIM 618096.
Inborn genetic diseases. Identifiers: MedGen C0950123, MeSH D030342.
Hereditary cancer-predisposing syndrome. Also called: Tumor predisposition; Hereditary neoplastic syndrome; Neoplastic Syndromes, Hereditary; Hereditary Cancer Syndrome. Identifiers: Orphanet 140162, MedGen C0027672, MeSH D009386, MONDO:0015356.
Fanconi anemia (FA). Also called: Fanconi's anemia. Identifiers: Orphanet 84, MedGen C0015625, MeSH D005199, MONDO:0019391.

Allele frequency attached by ClinVar (database versions not stated): gnomAD 0.00001; TOPMed 0.00001; ExAC 0.00004; gnomAD exomes 0.00004; 1000 Genomes Project 30x 0.00016.
gnomAD v4.1: 31 of 1,613,674 alleles (0.0019%); highest among the groups gnomAD compares: East Asian, 0.011%; no homozygotes.

Submissions (5):

Labcorp Genetics (formerly Invitae), Labcorp
Classification: Uncertain significance for Fanconi anemia. Last evaluated: 2025-10-14. Review status: criteria provided, single submitter. Criteria: Invitae Variant Classification Sherloc (09022015). Collection method: clinical testing. Allele origin: germline.
Comment: This sequence change replaces proline, which is neutral and non-polar, with leucine, which is neutral and non-polar, at codon 292 of the FANCM protein (p.Pro292Leu). This variant is present in population databases (rs781381334, gnomAD 0.02%). This variant has not been reported in the literature in individuals affected with FANCM-related conditions. ClinVar contains an entry for this variant (Variation ID: 951102). An algorithm developed to predict the effect of missense changes on protein structure and function (PolyPhen-2) suggests that this variant is likely to be tolerated. In summary, the available evidence is currently insufficient to determine the role of this variant in disease. Therefore, it has been classified as a Variant of Uncertain Significance.

Ambry Genetics
Classification: Uncertain significance for Inborn genetic diseases. Last evaluated: 2024-12-25. Review status: criteria provided, single submitter. Criteria: Ambry Variant Classification Scheme 2023. Collection method: clinical testing. Allele origin: germline.
Comment: The p.P292L variant (also known as c.875C>T), located in coding exon 4 of the FANCM gene, results from a C to T substitution at nucleotide position 875. The proline at codon 292 is replaced by leucine, an amino acid with similar properties. This amino acid position is conserved. In addition, the in silico prediction for this alteration is inconclusive. Based on the available evidence, the clinical significance of this variant remains unclear.

Quest Diagnostics Nichols Institute San Juan Capistrano
Classification: Uncertain significance. Last evaluated: 2024-06-11. Review status: criteria provided, single submitter. Criteria: Quest Diagnostics criteria. Collection method: clinical testing. Allele origin: unknown.
Comment: The FANCM c.875C>T (p.Pro292Leu) variant has been observed in individuals with breast cancer as well as in an reportedly healthy individual in a case-control study (PMID: 33471991 (2021), see also LOVD). The frequency of this variant in the general population, 0.00023 (7/30596 chromosomes (Genome Aggregation Database)), is uninformative in the assessment of its pathogenicity. Analysis of this variant using bioinformatics tools for the prediction of the effect of amino acid changes on protein structure and function yielded conflicting predictions that this variant is benign or damaging. Based on the available information, we are unable to determine the clinical significance of this variant.

Fulgent Genetics
Classification: Uncertain significance for Spermatogenic failure 28; Premature ovarian failure 15. Last evaluated: 2021-10-12. Review status: criteria provided, single submitter. Criteria: ACMG Guidelines, 2015. Collection method: clinical testing. Allele origin: unknown.

Sema4
Classification: Uncertain significance for Hereditary cancer-predisposing syndrome. Last evaluated: 2021-08-16. Review status: criteria provided, single submitter. Criteria: Sema4 Curation Guidelines. Collection method: curation. Allele origin: germline.
Comment: The FANCM c.875C>T (p.P292L) variant has been reported in several individuals with breast cancer, but was also observed in a healthy control (PMID: 33471991). It was observed in 7/30596 chromosomes of the South Asian subpopulation, with no homozygotes, in the large and broad cohorts of the Genome Aggregation Database (PMID: 32461654). The variant has been reported in ClinVar (Variation ID 951102). Functional studies have not been performed, and in silico predictions of the variant's effect on protein function are inconclusive. The evidence is insufficient to meet ACMG/AMP criteria for classifying the variant as benign or pathogenic. Thus, the clinical significance of this variant is currently uncertain.

Literature cited by the submitters: PubMed 33471991 (cited by Quest Diagnostics Nichols Institute San Juan Capistrano and Sema4).